The following is an entry in ClinVar:

NM_003724.4(JRK):c.306C>T (p.Ser102=)

Gene: JRK (Jrk helix-turn-helix protein; minus strand). Cytogenetic location: 8q24.3.
Variant type: single nucleotide variant.
Coding change: c.306C>T on transcript NM_003724.4 (MANE Select); coding-DNA position 306, C replaced by T.
Protein change: p.Ser102=; no amino-acid change (serine 102 retained).
Molecular consequence: synonymous variant.
Genome position (GRCh38, 1-based): chr8:142,665,753, G>A on the plus strand (C>T on the coding strand, the complement: JRK is on the minus strand). VCF-style: chr8-142665753-G-A. GRCh37 (hg19) VCF-style: chr8-143747172-G-A.
Other names: c.306C>T, p.Ser102= (NM_001077527.3, NM_001279352.2).
Identifiers: ClinVar variation 2658887 (VCV002658887.24), dbSNP rs150164684, ClinGen allele CA4903365.

ClinVar aggregate classification (germline): Likely benign (1 of 4 stars; one submission).

Allele frequency attached by ClinVar (database versions not stated): 1000 Genomes Project 30x 0.00016; 1000 Genomes Project 0.00020; gnomAD 0.00134; ESP Exome Variant Server 0.00158; TOPMed 0.00163; gnomAD exomes 0.00218; ExAC 0.00288.
gnomAD v4.1: 1,607 of 774,768 alleles (0.21%); highest among the groups gnomAD compares: Middle Eastern, 3%; 13 homozygotes.

Submission:

CeGaT Center for Human Genetics Tuebingen
Classification: Likely benign. Last evaluated: 2023-05-01. Review status: criteria provided, single submitter. Criteria: CeGaT Center For Human Genetics Tuebingen Variant Classification Criteria Version 2. Collection method: clinical testing. Allele origin: germline. Affected: yes. Observed: 2 variant alleles.
Comment: JRK: BP4, BP7